The following is an entry in ClinVar:

ClinVar aggregate classification (germline): Uncertain significance. Review status: criteria provided, multiple submitters, no conflicts (2 of 4 stars). 2 submissions from 2 submitters: Uncertain significance (2). Last evaluated 2024-02-05.

Conditions:
Inborn genetic diseases. Identifiers: MedGen C0950123, MeSH D030342.
Intellectual developmental disorder, autosomal dominant 52. Also called: Intellectual disability, autosomal dominant 52; Mental retardation, autosomal dominant 52. Identifiers: MedGen C4540478, MONDO:0030918, OMIM 617796.

Allele frequency attached by ClinVar (database versions not stated): gnomAD exomes below 0.00001; TOPMed below 0.00001; ExAC 0.00001.
gnomAD v4.1: 4 of 1,612,792 alleles (0.00025%); highest among the groups gnomAD compares: South Asian, 0.0044%; no homozygotes.

Submissions (2):

Ambry Genetics
Classification: Uncertain significance for Inborn genetic diseases. Last evaluated: 2024-02-05. Review status: criteria provided, single submitter. Criteria: Ambry Variant Classification Scheme 2023. Collection method: clinical testing. Allele origin: germline.

Neuberg Centre For Genomic Medicine, NCGM
Classification: Uncertain significance for Intellectual developmental disorder, autosomal dominant 52. Last evaluated: 2023-05-20. Review status: criteria provided, single submitter. Criteria: ACMG Guidelines, 2015. Collection method: clinical testing. Allele origin: germline. Inheritance: Autosomal dominant inheritance. Affected: yes.
Comment: The observed missense variant c.356C>G (p.Pro119Arg) in ASH1L gene has not been reported previously as a pathogenic variant nor as a benign variant, to our knowledge. The p.Pro119Arg variant has allele frequency 0.0008% in gnomAD Exomes. This variant has not been submitted to the ClinVar database. Multiple lines of computational evidence (Polyphen - Benign, SIFT - Damaging and Mutation Taster - Disease causing) predicts conflicting evidence on protein structure and function for this variant. The amino acid change p.Pro119Arg in ASH1L is predicted as conserved by GERP++ and PhyloP across 100 vertebrates. The amino acid Pro at position 119 is changed to a Arg changing protein sequence and it might alter its composition and physico-chemical properties. For these reasons, this variant has been classified as Variant of Uncertain Significance (VUS).

NM_018489.3(ASH1L):c.356C>G (p.Pro119Arg)

Gene: ASH1L (ASH1 like histone lysine methyltransferase; minus strand). Cytogenetic location: 1q22.
Variant type: single nucleotide variant.
Coding change: c.356C>G on transcript NM_018489.3 (MANE Select); coding-DNA position 356, C replaced by G.
Protein change: p.Pro119Arg; replaces proline 119 with arginine.
Molecular consequence: missense variant.
Genome position (GRCh38, 1-based): chr1:155,521,164, G>C on the plus strand (C>G on the coding strand, the complement: ASH1L is on the minus strand). VCF-style: chr1-155521164-G-C. GRCh37 (hg19) VCF-style: chr1-155490955-G-C.
Other names: c.356C>G, p.Pro119Arg (NM_001366177.2); short protein forms P119R.
Identifiers: ClinVar variation 3130313 (VCV003130313.2), dbSNP rs375367640, ClinGen allele CA1147500.
Genomic context (GRCh38, chr1:155,521,164, plus strand): 5'-TTTGAAGGACAGTGTTCATTCTTTTCATCCGTCATCTTTCCACTTTTAAGTGCTTTCCTT[G>C]GGTGCTTAATAGTTGTTTTTATGGCAGGTCGACATACATAGTTCTCCAAGTTCTTTGGAG-3'
Protein context (NP_060959.2, residues 109-129): RPAIKTTIKH[Pro119Arg]RKALKSGKMT